The following is an entry in ClinVar:

ClinVar aggregate classification (germline): Conflicting classifications of pathogenicity. Review status: criteria provided, conflicting classifications (1 of 4 stars). 3 submissions from 3 submitters: Uncertain significance (1); Likely benign (2). Last evaluated 2025-07-15.

Conditions:
Hereditary cancer-predisposing syndrome. Also called: Neoplastic Syndromes, Hereditary; Tumor predisposition; Hereditary Cancer Syndrome; Hereditary neoplastic syndrome. Identifiers: Orphanet 140162, MedGen C0027672, MeSH D009386, MONDO:0015356.

Allele frequency attached by ClinVar (database versions not stated): gnomAD exomes below 0.00001; TOPMed below 0.00001.
gnomAD v4.1: 4 of 1,614,050 alleles (0.00025%); highest among the groups gnomAD compares: Non-Finnish European, 0.00034%; no homozygotes.

Submissions (3):

Labcorp Genetics (formerly Invitae), Labcorp
Classification: Likely benign. Last evaluated: 2025-07-15. Review status: criteria provided, single submitter. Criteria: Invitae Variant Classification Sherloc (09022015). Collection method: clinical testing. Allele origin: germline.

Ambry Genetics
Classification: Likely benign for Hereditary cancer-predisposing syndrome. Last evaluated: 2017-10-25. Review status: criteria provided, single submitter. Criteria: Ambry Variant Classification Scheme 2023. Collection method: clinical testing. Allele origin: germline.

GeneDx
Classification: Uncertain significance. Last evaluated: 2016-04-25. Review status: criteria provided, single submitter. Criteria: GeneDx Variant Classification (06012015). Collection method: clinical testing. Allele origin: germline. Affected: yes.
Comment: This variant is denoted POLE c.4461C>T at the DNA level. This variant is silent at the coding level, preserving an Isoleucine at codon 1487. It is not predicted to cause abnormal splicing. POLE c.4461C>T was not observed in approximately 6,500 individuals of European and African American ancestry in the NHLBI Exome Sequencing Project, indicating it is not a common benign variant in these populations. The nucleotide which is altered, a cytosine (C) at base 4461, is conserved through mammals. Based on the currently available information, it is unclear whether POLE c.4461C>T is a pathogenic or benign variant. We consider it to be a variant of uncertain significance.

NM_006231.4(POLE):c.4461C>T (p.Ile1487=)

Gene: POLE (DNA polymerase epsilon, catalytic subunit; minus strand). Cytogenetic location: 12q24.33.
Variant type: single nucleotide variant.
Coding change: c.4461C>T on transcript NM_006231.4 (MANE Select); coding-DNA position 4461, C replaced by T.
Protein change: p.Ile1487=; no amino-acid change (isoleucine 1487 retained).
Molecular consequence: synonymous variant.
Genome position (GRCh38, 1-based): chr12:132,643,314, G>A on the plus strand (C>T on the coding strand, the complement: POLE is on the minus strand). VCF-style: chr12-132643314-G-A. GRCh37 (hg19) VCF-style: chr12-133219900-G-A.
Identifiers: ClinVar variation 413521 (VCV000413521.15), dbSNP rs536917758, ClinGen allele CA16613628.